The following is an entry in ClinVar:

ClinVar aggregate classification (germline): Uncertain significance (1 of 4 stars; one submission).

Conditions:
Autosomal recessive limb-girdle muscular dystrophy type 2Q (LGMDR17). Also called: MUSCULAR DYSTROPHY, LIMB-GIRDLE, AUTOSOMAL RECESSIVE 17. Identifiers: Orphanet 254361, MedGen C3150989, MONDO:0013390, OMIM 613723.
Epidermolysis bullosa simplex 5B, with muscular dystrophy (EBS5B). Also called: EPIDERMOLYSIS BULLOSA SIMPLEX AND LIMB-GIRDLE MUSCULAR DYSTROPHY; Epidermolysis bullosa simplex with muscular dystrophy. Identifiers: Orphanet 257, MedGen C2931072, MONDO:0009181, OMIM 226670.
Epidermolysis bullosa simplex, Ogna type (EBS5A). Also called: Pidermolysis bullosa simplex 5A, Ogna type; EPIDERMOLYSIS BULLOSA SIMPLEX 5A, OGNA TYPE. Identifiers: Orphanet 79401, MedGen C0432317, MONDO:0007555, OMIM 131950.
Epidermolysis bullosa simplex with nail dystrophy (EBS5D). Identifiers: MedGen C4225309, MONDO:0014661, OMIM 616487.
Epidermolysis bullosa simplex 5C, with pyloric atresia (EBS5C). Also called: Epidermolysis bullosa simplex with pyloric atresia; PLEC1-Related Epidermolysis Bullosa with Pyloric Atresia; PLEC-Related Epidermolysis Bullosa with Pyloric Atresia. Identifiers: Orphanet 158684, MedGen C2677349, MONDO:0012807, OMIM 612138.

Submission:

Labcorp Genetics (formerly Invitae), Labcorp
Classification: Uncertain significance for Autosomal recessive limb-girdle muscular dystrophy type 2Q; Epidermolysis bullosa simplex, Ogna type; Epidermolysis bullosa simplex with nail dystrophy; Epidermolysis bullosa simplex 5C, with pyloric atresia; Epidermolysis bullosa simplex 5B, with muscular dystrophy. Last evaluated: 2022-07-06. Review status: criteria provided, single submitter. Criteria: Invitae Variant Classification Sherloc (09022015). Collection method: clinical testing. Allele origin: germline.
Comment: This sequence change replaces glutamic acid, which is acidic and polar, with lysine, which is basic and polar, at codon 3320 of the PLEC protein (p.Glu3320Lys). This variant is not present in population databases (gnomAD no frequency). This variant has not been reported in the literature in individuals affected with PLEC-related conditions. ClinVar contains an entry for this variant (Variation ID: 1481871). Algorithms developed to predict the effect of missense changes on protein structure and function are either unavailable or do not agree on the potential impact of this missense change (SIFT: "Tolerated"; PolyPhen-2: "Probably Damaging"; Align-GVGD: "Class C0"). In summary, the available evidence is currently insufficient to determine the role of this variant in disease. Therefore, it has been classified as a Variant of Uncertain Significance.

NM_201384.3(PLEC):c.9877G>A (p.Glu3293Lys)

Gene: PLEC (plectin; minus strand). Cytogenetic location: 8q24.3.
Variant type: single nucleotide variant.
Coding change: c.9877G>A on transcript NM_201384.3 (MANE Select); coding-DNA position 9877, G replaced by A.
Protein change: p.Glu3293Lys; replaces glutamic acid 3293 with lysine.
Molecular consequence: missense variant.
Genome position (GRCh38, 1-based): chr8:143,919,944, C>T on the plus strand (G>A on the coding strand, the complement: PLEC is on the minus strand). VCF-style: chr8-143919944-C-T. GRCh37 (hg19) VCF-style: chr8-144994112-C-T.
Other names: c.9811G>A, p.Glu3271Lys (NM_201379.3); c.10288G>A, p.Glu3430Lys (NM_201380.4); c.9781G>A, p.Glu3261Lys (NM_201381.3); c.9877G>A, p.Glu3293Lys (NM_201382.4); c.9889G>A, p.Glu3297Lys (NM_201383.3); c.9958G>A, p.Glu3320Lys (NM_000445.5); c.9835G>A, p.Glu3279Lys (NM_201378.4); short protein forms E3430K, E3293K, E3261K, E3271K, E3320K, E3279K, E3297K.
Identifiers: ClinVar variation 1481871 (VCV001481871.6), dbSNP rs868906220, ClinGen allele CA372506074.